The following is an entry in ClinVar:

ClinVar aggregate classification (germline): Benign/Likely benign. Review status: criteria provided, multiple submitters, no conflicts (2 of 4 stars). 2 submissions from 2 submitters: Benign (1); Likely benign (1). Last evaluated 2018-01-13.

Conditions:
Dilated cardiomyopathy 1P (CMD1P). Identifiers: Orphanet 154, MedGen C1835928, MONDO:0012362, OMIM 609909.

Allele frequency attached by ClinVar (database versions not stated): gnomAD 0.01535 and 0.01645; 1000 Genomes Project 0.01577; TOPMed 0.01705; 1000 Genomes Project 30x 0.01718.
gnomAD v4.1: 2,307 of 152,100 alleles (1.5%); highest among the groups gnomAD compares: African/African-American, 5.2%; 64 homozygotes.

Submissions (2):

Illumina Laboratory Services, Illumina
Classification: Likely benign for Dilated cardiomyopathy 1P. Last evaluated: 2018-01-13. Review status: criteria provided, single submitter. Criteria: ICSL Variant Classification Criteria 13 December 2019. Collection method: clinical testing. Allele origin: germline.
Comment: This variant was observed in the ICSL laboratory as part of a predisposition screen in an ostensibly healthy population. It had not been previously curated by ICSL or reported in the Human Gene Mutation Database (HGMD: prior to June 1st, 2018), and was therefore a candidate for classification through an automated scoring system. Utilizing variant allele frequency, disease prevalence and penetrance estimates, and inheritance mode, an automated score was calculated to assess if this variant is too frequent to cause the disease. Based on the score and internal cut-off values, a variant classified as likely benign is not then subjected to further curation. The score for this variant resulted in a classification of likely benign for this disease.

GeneDx
Classification: Benign. Last evaluated: 2015-03-03. Review status: criteria provided, single submitter. Criteria: GeneDx Variant Classification Process June 2021. Collection method: clinical testing. Allele origin: germline. Affected: yes.

NM_002667.5(PLN):c.-150G>A

Genes: CEP85L (centrosomal protein 85L; minus strand), PLN (phospholamban; plus strand). Cytogenetic location: 6q22.31.
Variant type: single nucleotide variant.
Coding change: c.-150G>A on transcript NM_002667.5 (MANE Select); 150 bases upstream of the start codon, G replaced by A.
Molecular consequence: 5 prime UTR variant. On other transcripts: intron variant (3).
Genome position (GRCh38, 1-based): chr6:118,548,340, G>A. VCF-style: chr6-118548340-G-A. GRCh37 (hg19) VCF-style: chr6-118869503-G-A.
Other names: c.1029+17189C>T (NM_001178035.2); c.1020+17189C>T (NM_001042475.3, NM_206921.3).
Identifiers: ClinVar variation 355133 (VCV000355133.7), dbSNP rs9489434, ClinGen allele CA10621296.